The following is an entry in ClinVar:

NM_001367624.2(ZNF469):c.4798G>C (p.Gly1600Arg)

Gene: ZNF469 (zinc finger protein 469; plus strand). Cytogenetic location: 16q24.2.
Variant type: single nucleotide variant.
Coding change: c.4798G>C on transcript NM_001367624.2 (MANE Select); coding-DNA position 4798, G replaced by C.
Protein change: p.Gly1600Arg; replaces glycine 1600 with arginine.
Molecular consequence: missense variant.
Genome position (GRCh38, 1-based): chr16:88,432,268, G>C. VCF-style: chr16-88432268-G-C. GRCh37 (hg19) VCF-style: chr16-88498676-G-C.
Other names: NM_001127464.1:c.4714G>C; NM_001127464.2:c.4714G>C; short protein forms G1600R.
Identifiers: ClinVar variation 3476136 (VCV003476136.2).

ClinVar aggregate classification (germline): Uncertain significance. Review status: criteria provided, multiple submitters, no conflicts (2 of 4 stars). 2 submissions from 2 submitters: Uncertain significance (2). Last evaluated 2026-03-02.

Conditions:
Cardiovascular phenotype. Identifiers: MedGen CN230736.
ZNF469-related disorder. Also called: ZNF469-related condition.

gnomAD v4.1: 5 of 1,547,390 alleles (0.00032%); highest among the groups gnomAD compares: East Asian, 0.0049%; no homozygotes.

Submissions (2):

PreventionGenetics, part of Exact Sciences
Classification: Uncertain significance for ZNF469-related condition. Last evaluated: 2026-03-02. Review status: criteria provided, single submitter. Criteria: ACMG Guidelines, 2015. Collection method: clinical testing. Allele origin: germline.
Comment: The ZNF469 c.4714G>C variant is predicted to result in the amino acid substitution p.Gly1572Arg. To our knowledge, this variant has not been reported in the literature. This variant is reported in 0.019% of alleles in individuals of East Asian descent in gnomAD. At this time, the clinical significance of this variant is uncertain due to the absence of conclusive functional and genetic evidence.

Ambry Genetics
Classification: Uncertain significance for Cardiovascular phenotype. Last evaluated: 2024-09-17. Review status: criteria provided, single submitter. Criteria: Ambry Variant Classification Scheme 2023. Collection method: clinical testing. Allele origin: germline.
Comment: The p.G1572R variant (also known as c.4714G>C), located in coding exon 2 of the ZNF469 gene, results from a G to C substitution at nucleotide position 4714. The glycine at codon 1572 is replaced by arginine, an amino acid with dissimilar properties. This amino acid position is conserved. In addition, this alteration is predicted to be tolerated by in silico analysis. Based on the available evidence, the clinical significance of this variant remains unclear.